The following is an entry in ClinVar:

NM_001136103.3(TMEM132C):c.807C>T (p.Ile269=)

Gene: TMEM132C (transmembrane protein 132C; plus strand). Cytogenetic location: 12q24.32.
Variant type: single nucleotide variant.
Coding change: c.807C>T on transcript NM_001136103.3 (MANE Select); coding-DNA position 807, C replaced by T.
Protein change: p.Ile269=; no amino-acid change (isoleucine 269 retained).
Molecular consequence: synonymous variant.
Genome position (GRCh38, 1-based): chr12:128,415,453, C>T. VCF-style: chr12-128415453-C-T. GRCh37 (hg19) VCF-style: chr12-128899998-C-T.
Other names: c.747C>T, p.Ile249= (NM_001387058.1).
Identifiers: ClinVar variation 2643585 (VCV002643585.24), dbSNP rs190556433, ClinGen allele CA6874519.

ClinVar aggregate classification (germline): Likely benign (1 of 4 stars; one submission).

Allele frequency attached by ClinVar (database versions not stated): 1000 Genomes Project 30x 0.00031; 1000 Genomes Project 0.00040; ExAC 0.00077; gnomAD 0.00131; TOPMed 0.00131; gnomAD exomes 0.00203; ESP Exome Variant Server 0.00241.
gnomAD v4.1: 3,005 of 1,551,612 alleles (0.19%); highest among the groups gnomAD compares: Non-Finnish European, 0.25%; 4 homozygotes.

Submission:

CeGaT Center for Human Genetics Tuebingen
Classification: Likely benign. Last evaluated: 2022-12-01. Review status: criteria provided, single submitter. Criteria: CeGaT Center For Human Genetics Tuebingen Variant Classification Criteria Version 2. Collection method: clinical testing. Allele origin: germline. Affected: yes. Observed: 1 variant allele.
Comment: TMEM132C: BP4, BP7